The following is an entry in ClinVar:

ClinVar aggregate classification (germline): Uncertain significance (0 of 4 stars; one submission).

Conditions:
TFRC-related disorder. Also called: TFRC-related condition.

Submission:

PreventionGenetics, part of Exact Sciences
Classification: Uncertain significance for TFRC-related condition. Last evaluated: 2024-01-29. Review status: no assertion criteria provided. Collection method: clinical testing. Allele origin: germline.
Comment: The TFRC c.596_599delCGGT variant is predicted to result in premature protein termination (p.Ser199*). To our knowledge, this variant has not been reported in the literature or in a large population database, indicating this variant is rare. To date, premature termination variants have not been established as a cause of TFRC-related disease. Although we suspect that this variant may be pathogenic, at this time, the clinical significance is uncertain due to the absence of conclusive functional and genetic evidence.

NM_001128148.3(TFRC):c.596_599del (p.Asn198_Ser199insTer)

Gene: TFRC (transferrin receptor; minus strand). Cytogenetic location: 3q29.
Variant type: Deletion.
Coding change: c.596_599del on transcript NM_001128148.3 (MANE Select); coding-DNA positions 596 to 599, 4 bases deleted (CGGT; older notation c.596_599delCGGT).
Protein change: p.Asn198_Ser199insTer.
Molecular consequence: nonsense. On other transcripts: 5 prime UTR variant (1).
Genome position (GRCh38, 1-based): chr3:196,071,484-196,071,487, ACCG deleted on the plus strand (CGGT on the coding strand, the reverse complement: TFRC is on the minus strand); deleting any 4 consecutive bases within chr3:196,071,484-196,071,488 gives the same sequence; the c. name uses the placement nearest the transcript's 3' end. VCF-style (leftmost placement, unchanged base first): chr3-196071483-CACCG-C. GRCh37 (hg19) VCF-style: chr3-195798354-CACCG-C.
Other names: c.353_356del, p.Asn117_Ser118insTer (NM_001313965.2); c.-251_-248del (NM_001313966.2); c.596_599del, p.Asn198_Ser199insTer (NM_003234.4).
Identifiers: ClinVar variation 3031431 (VCV003031431.2), dbSNP rs2473983244, ClinGen allele CA2740091078.